The following is an entry in ClinVar:

NM_000489.6(ATRX):c.2621G>C (p.Gly874Ala)

Gene: ATRX (ATRX chromatin remodeler; minus strand). Cytogenetic location: Xq21.1.
Variant type: single nucleotide variant.
Coding change: c.2621G>C on transcript NM_000489.6 (MANE Select); coding-DNA position 2621, G replaced by C.
Protein change: p.Gly874Ala; replaces glycine 874 with alanine.
Molecular consequence: missense variant.
Genome position (GRCh38, 1-based): chrX:77,682,635, C>G on the plus strand (G>C on the coding strand, the complement: ATRX is on the minus strand). VCF-style: chrX-77682635-C-G. GRCh37 (hg19) VCF-style: chrX-76938127-C-G.
Other names: c.2507G>C, p.Gly836Ala (NM_138270.5); short protein forms G836A, G874A.
Identifiers: ClinVar variation 1698094 (VCV001698094.4), dbSNP rs782339652, ClinGen allele CA413711335.
Genomic context (GRCh38, chrX:77,682,635, plus strand): 5'-GTGCCTTCTGCTGAAGAGAAAGTCTCTCTCTCTTGTTTTCTTTCAGCATCATCAGATGAT[C>G]CTTCTTGTGAGGTCTTCAAATTTTTGTGCCCTTGATTATCCATTCCTTTTTTGCTGTGTT-3'
Protein context (NP_000480.3, residues 864-884): GHKNLKTSQE[Gly874Ala]SSDDAERKQE

ClinVar aggregate classification (germline): Uncertain significance. Review status: criteria provided, multiple submitters, no conflicts (2 of 4 stars). 2 submissions from 2 submitters: Uncertain significance (2). Last evaluated 2025-07-23.

Conditions:
Alpha thalassemia-X-linked intellectual disability syndrome (ATRX). Also called: ALPHA-THALASSEMIA/MENTAL RETARDATION SYNDROME, X-LINKED; ATR, NONDELETION TYPE; X-linked alpha-thalassemia-mental retardation syndrome; ATR-X syndrome; Alpha thalassemia mental retardation syndrome, nondeletion type, X-linked; XLMR hypotonic face syndrome. Identifiers: Orphanet 847, MedGen C1845055, MONDO:0010519, OMIM 301040.

gnomAD v4.1: 1 of 1,209,774 alleles (0.000083%); highest among the groups gnomAD compares: Admixed American, 0.0022%; no homozygotes.

Submissions (2):

Labcorp Genetics (formerly Invitae), Labcorp
Classification: Uncertain significance for Alpha thalassemia-X-linked intellectual disability syndrome. Last evaluated: 2025-07-23. Review status: criteria provided, single submitter. Criteria: Invitae Variant Classification Sherloc (09022015). Collection method: clinical testing. Allele origin: germline.
Comment: This sequence change replaces glycine, which is neutral and non-polar, with alanine, which is neutral and non-polar, at codon 874 of the ATRX protein (p.Gly874Ala). This variant is not present in population databases (gnomAD no frequency). This variant has not been reported in the literature in individuals affected with ATRX-related conditions. ClinVar contains an entry for this variant (Variation ID: 1698094). Invitae Evidence Modeling of protein sequence and biophysical properties (such as structural, functional, and spatial information, amino acid conservation, physicochemical variation, residue mobility, and thermodynamic stability) indicates that this missense variant is not expected to disrupt ATRX protein function with a negative predictive value of 95%. In summary, the available evidence is currently insufficient to determine the role of this variant in disease. Therefore, it has been classified as a Variant of Uncertain Significance.

GeneDx
Classification: Uncertain significance. Last evaluated: 2022-01-14. Review status: criteria provided, single submitter. Criteria: GeneDx Variant Classification Process June 2021. Collection method: clinical testing. Allele origin: germline. Affected: yes.
Comment: Not observed at significant frequency in large population cohorts (gnomAD); In silico analysis supports that this missense variant does not alter protein structure/function; Has not been previously published as pathogenic or benign to our knowledge